The following is an entry in ClinVar:

ClinVar aggregate classification (germline): Uncertain significance. Review status: criteria provided, multiple submitters, no conflicts (2 of 4 stars). 2 submissions from 2 submitters: Uncertain significance (2). Last evaluated 2022-06-24.

Allele frequency attached by ClinVar (database versions not stated): gnomAD exomes below 0.00001; gnomAD 0.00001; TOPMed 0.00001.
gnomAD v4.1: 3 of 1,608,722 alleles (0.00019%); highest among the groups gnomAD compares: Admixed American, 0.0017%; no homozygotes.

Submissions (2):

Ambry Genetics
Classification: Uncertain significance. Last evaluated: 2022-06-24. Review status: criteria provided, single submitter. Criteria: Ambry Variant Classification Scheme 2023. Collection method: clinical testing. Allele origin: germline.

GeneDx
Classification: Uncertain significance. Last evaluated: 2019-07-11. Review status: criteria provided, single submitter. Criteria: GeneDx Variant Classification Process June 2021. Collection method: clinical testing. Allele origin: germline. Affected: yes.
Comment: Not observed in large population cohorts (Lek et al., 2016); In silico analysis, which includes protein predictors and evolutionary conservation, supports a deleterious effect; Has not been previously published as pathogenic or benign to our knowledge

NM_016630.7(SPG21):c.233A>G (p.Tyr78Cys)

Gene: SPG21 (SPG21 abhydrolase domain containing, maspardin; minus strand). Cytogenetic location: 15q22.31.
Variant type: single nucleotide variant.
Coding change: c.233A>G on transcript NM_016630.7 (MANE Select); coding-DNA position 233, A replaced by G.
Protein change: p.Tyr78Cys; replaces tyrosine 78 with cysteine.
Molecular consequence: missense variant. On other transcripts: intron variant (1).
Genome position (GRCh38, 1-based): chr15:64,976,548, T>C on the plus strand (A>G on the coding strand, the complement: SPG21 is on the minus strand). VCF-style: chr15-64976548-T-C. GRCh37 (hg19) VCF-style: chr15-65268886-T-C.
Other names: c.233A>G, p.Tyr78Cys (NM_001127889.5); c.226-1801A>G (NM_001127890.5); c.233A>G (NM_016630.3); short protein forms Y78C.
Identifiers: ClinVar variation 1306992 (VCV001306992.4), dbSNP rs2085778287, ClinGen allele CA392872353.